The following is an entry in ClinVar:

NM_001130438.3(SPTAN1):c.5993-10C>G

Gene: SPTAN1 (spectrin alpha, non-erythrocytic 1; plus strand). Cytogenetic location: 9q34.11.
Variant type: single nucleotide variant.
Coding change: c.5993-10C>G on transcript NM_001130438.3 (MANE Select); 10 bases into the intron before coding-DNA position 5993, C replaced by G.
Molecular consequence: intron variant.
Genome position (GRCh38, 1-based): chr9:128,625,093, C>G. VCF-style: chr9-128625093-C-G. GRCh37 (hg19) VCF-style: chr9-131387372-C-G.
Other names: c.5993-10C>G (NM_001363759.2); c.5978-10C>G (NM_003127.4); c.5933-10C>G (NM_001363765.2); c.5918-10C>G (NM_001195532.2).
Identifiers: ClinVar variation 508240 (VCV000508240.9), dbSNP rs773841663, ClinGen allele CA5265621.

ClinVar aggregate classification (germline): Likely benign. Review status: criteria provided, multiple submitters, no conflicts (2 of 4 stars). 2 submissions from 2 submitters: Likely benign (2). Last evaluated 2024-06-03.

Conditions:
Early-infantile DEE. Also called: Early infantile epileptic encephalopathy with suppression bursts; Ohtahara syndrome; Early infantile epileptic encephalopathy. Identifiers: Orphanet 1934, MedGen C0393706, MONDO:0800491.

Allele frequency attached by ClinVar (database versions not stated): ExAC 0.00001.
gnomAD v4.1: 12 of 1,613,924 alleles (0.00074%); highest among the groups gnomAD compares: Non-Finnish European, 0.001%; no homozygotes.

Submissions (2):

Labcorp Genetics (formerly Invitae), Labcorp
Classification: Likely benign for Early-infantile DEE. Last evaluated: 2024-06-03. Review status: criteria provided, single submitter. Criteria: Invitae Variant Classification Sherloc (09022015). Collection method: clinical testing. Allele origin: germline.

GeneDx
Classification: Likely benign. Last evaluated: 2017-03-17. Review status: criteria provided, single submitter. Criteria: GeneDx Variant Classification (06012015). Collection method: clinical testing. Allele origin: germline. Affected: yes.
Comment: This variant is considered likely benign or benign based on one or more of the following criteria: it is a conservative change, it occurs at a poorly conserved position in the protein, it is predicted to be benign by multiple in silico algorithms, and/or has population frequency not consistent with disease.